The following is an entry in ClinVar:

ClinVar aggregate classification (germline): Uncertain significance (1 of 4 stars; one submission).

Allele frequency attached by ClinVar (database versions not stated): gnomAD exomes 0.00001.
gnomAD v4.1: 19 of 1,613,730 alleles (0.0012%); highest among the groups gnomAD compares: South Asian, 0.0022%; no homozygotes.

Submission:

Labcorp Genetics (formerly Invitae), Labcorp
Classification: Uncertain significance. Last evaluated: 2022-08-23. Review status: criteria provided, single submitter. Criteria: Invitae Variant Classification Sherloc (09022015). Collection method: clinical testing. Allele origin: germline.
Comment: This sequence change replaces aspartic acid, which is acidic and polar, with asparagine, which is neutral and polar, at codon 45 of the ITPR1 protein (p.Asp45Asn). This variant is present in population databases (no rsID available, gnomAD 0.003%). This variant has not been reported in the literature in individuals affected with ITPR1-related conditions. Algorithms developed to predict the effect of missense changes on protein structure and function are either unavailable or do not agree on the potential impact of this missense change (SIFT: "Deleterious"; PolyPhen-2: "Benign"; Align-GVGD: "Class C0"). In summary, the available evidence is currently insufficient to determine the role of this variant in disease. Therefore, it has been classified as a Variant of Uncertain Significance.

NM_001378452.1(ITPR1):c.133G>A (p.Asp45Asn)

Gene: ITPR1 (inositol 1,4,5-trisphosphate receptor type 1; plus strand). Cytogenetic location: 3p26.1.
Variant type: single nucleotide variant.
Coding change: c.133G>A on transcript NM_001378452.1 (MANE Select); coding-DNA position 133, G replaced by A.
Protein change: p.Asp45Asn; replaces aspartic acid 45 with asparagine.
Molecular consequence: missense variant.
Genome position (GRCh38, 1-based): chr3:4,521,064, G>A. VCF-style: chr3-4521064-G-A. GRCh37 (hg19) VCF-style: chr3-4562748-G-A.
Other names: c.133G>A, p.Asp45Asn (NM_001099952.4, NM_001168272.2, NM_002222.7); short protein forms D45N.
Identifiers: ClinVar variation 1918233 (VCV001918233.5), dbSNP rs1332765334, ClinGen allele CA351794478.